The following is an entry in ClinVar:

NM_001042492.3(NF1):c.7979T>C (p.Leu2660Ser)

Gene: NF1 (neurofibromin 1; plus strand). Cytogenetic location: 17q11.2.
Variant type: single nucleotide variant.
Coding change: c.7979T>C on transcript NM_001042492.3 (MANE Select); coding-DNA position 7979, T replaced by C.
Protein change: p.Leu2660Ser; replaces leucine 2660 with serine.
Molecular consequence: missense variant.
Genome position (GRCh38, 1-based): chr17:31,358,488, T>C. VCF-style: chr17-31358488-T-C. GRCh37 (hg19) VCF-style: chr17-29685506-T-C.
Other names: c.7916T>C, p.Leu2639Ser (NM_000267.4); short protein forms L2639S, L2660S.
Identifiers: ClinVar variation 5025607 (VCV005025607.1).

ClinVar aggregate classification (germline): Uncertain significance (1 of 4 stars; one submission).

Conditions:
Cardiovascular phenotype. Identifiers: MedGen CN230736.
Hereditary cancer-predisposing syndrome. Also called: Neoplastic Syndromes, Hereditary; Tumor predisposition; Hereditary neoplastic syndrome; Hereditary Cancer Syndrome. Identifiers: Orphanet 140162, MedGen C0027672, MeSH D009386, MONDO:0015356.

Submission:

Ambry Genetics
Classification: Uncertain significance for Cardiovascular phenotype; Hereditary cancer-predisposing syndrome. Last evaluated: 2026-08-02. Review status: criteria provided, single submitter. Criteria: Ambry Variant Classification Scheme 2023. Collection method: clinical testing. Allele origin: germline.
Comment: The p.L2639S variant (also known as c.7916T>C), located in coding exon 54 of the NF1 gene, results from a T to C substitution at nucleotide position 7916. The leucine at codon 2639 is replaced by serine, an amino acid with dissimilar properties. This amino acid position is conserved. In addition, this alteration is predicted to be deleterious by in silico analysis. Based on the available evidence, the clinical significance of this variant remains unclear.